The following is an entry in ClinVar:

NM_000257.4(MYH7):c.490T>C (p.Tyr164His)

Gene: MYH7 (myosin heavy chain 7; minus strand). Cytogenetic location: 14q11.2.
Variant type: single nucleotide variant.
Coding change: c.490T>C on transcript NM_000257.4 (MANE Select); coding-DNA position 490, T replaced by C.
Protein change: p.Tyr164His; replaces tyrosine 164 with histidine.
Molecular consequence: missense variant.
Genome position (GRCh38, 1-based): chr14:23,432,651, A>G on the plus strand (T>C on the coding strand, the complement: MYH7 is on the minus strand). VCF-style: chr14-23432651-A-G. GRCh37 (hg19) VCF-style: chr14-23901860-A-G.
Other names: short protein forms Y164H.
Identifiers: ClinVar variation 1332402 (VCV001332402.12), dbSNP rs2138684414, ClinGen allele CA389052710.

ClinVar aggregate classification (germline): Uncertain significance. Review status: criteria provided, multiple submitters, no conflicts (2 of 4 stars). 3 submissions from 3 submitters: Uncertain significance (3). Last evaluated 2026-04-29.

Conditions:
Hypertrophic cardiomyopathy 1 (CMH1). Also called: MYH7-Related Familial Hypertrophic Cardiomyopathy; Familial hypertrophic cardiomyopathy 1. Identifiers: MedGen C3495498, MONDO:0008647, OMIM 192600.
Hypertrophic cardiomyopathy. Also called: HYPERTROPHIC MYOCARDIOPATHY. Identifiers: Orphanet 217569, MedGen C0007194, MeSH D002312, MONDO:0005045, HP:0001639.
Cardiomyopathy (CMYO). Also called: Cardiomyopathies. Identifiers: Orphanet 167848, MedGen C0878544, MONDO:0004994, HP:0001638. Inheritance: Various modes of inheritance.

Allele frequency attached by ClinVar (database versions not stated): gnomAD exomes below 0.00001.

Submissions (3):

Institute of Human Genetics, University of Leipzig Medical Center
Classification: Uncertain significance for Hypertrophic cardiomyopathy 1. Last evaluated: 2026-04-29. Review status: criteria provided, single submitter. Criteria: ACMG Guidelines, 2015. Collection method: clinical testing. Allele origin: unknown. Inheritance: Autosomal dominant inheritance. Affected: yes.
Comment: Criteria applied: PM2_SUP

Labcorp Genetics (formerly Invitae), Labcorp
Classification: Uncertain significance for Hypertrophic cardiomyopathy. Last evaluated: 2025-12-29. Review status: criteria provided, single submitter. Criteria: Invitae Variant Classification Sherloc (09022015). Collection method: clinical testing. Allele origin: germline.
Comment: This sequence change replaces tyrosine, which is neutral and polar, with histidine, which is basic and polar, at codon 164 of the MYH7 protein (p.Tyr164His). This variant is not present in population databases (gnomAD no frequency). This variant has not been reported in the literature in individuals affected with MYH7-related conditions. ClinVar contains an entry for this variant (Variation ID: 1332402). Invitae Evidence Modeling of protein sequence and biophysical properties (such as structural, functional, and spatial information, amino acid conservation, physicochemical variation, residue mobility, and thermodynamic stability) indicates that this missense variant is expected to disrupt MYH7 protein function with a positive predictive value of 95%. In summary, the available evidence is currently insufficient to determine the role of this variant in disease. Therefore, it has been classified as a Variant of Uncertain Significance.

Color Diagnostics, LLC DBA Color Health
Classification: Uncertain significance for Cardiomyopathy. Last evaluated: 2024-03-07. Review status: criteria provided, single submitter. Criteria: ACMG Guidelines, 2015. Collection method: clinical testing. Allele origin: germline.
Comment: This missense variant replaces tyrosine with histidine at codon 164 of the MYH7 protein. Computational prediction is inconclusive regarding the impact of this variant on protein structure and function (internally defined REVEL score threshold 0.5 < inconclusive < 0.7, PMID: 27666373). To our knowledge, functional studies have not been reported for this variant. This variant has not been reported in individuals affected with cardiovascular disorders in the literature. This variant has not been identified in the general population by the Genome Aggregation Database (gnomAD). The available evidence is insufficient to determine the role of this variant in disease conclusively. Therefore, this variant is classified as a Variant of Uncertain Significance.